The following is an entry in ClinVar:

ClinVar aggregate classification (germline): Uncertain significance (1 of 4 stars; one submission).

Submission:

CeGaT Center for Human Genetics Tuebingen
Classification: Uncertain significance. Last evaluated: 2024-06-01. Review status: criteria provided, single submitter. Criteria: CeGaT Center For Human Genetics Tuebingen Variant Classification Criteria Version 2. Collection method: clinical testing. Allele origin: germline. Affected: yes. Observed: 2 variant alleles.
Comment: CHD1: PM2, PP3

NM_001270.4(CHD1):c.1391T>A (p.Val464Glu)

Gene: CHD1 (chromodomain helicase DNA binding protein 1; minus strand). Cytogenetic location: 5q15.
Variant type: single nucleotide variant.
Coding change: c.1391T>A on transcript NM_001270.4 (MANE Select); coding-DNA position 1391, T replaced by A.
Protein change: p.Val464Glu; replaces valine 464 with glutamic acid.
Molecular consequence: missense variant. On other transcripts: non-coding transcript variant (2).
Genome position (GRCh38, 1-based): chr5:98,897,295, A>T on the plus strand (T>A on the coding strand, the complement: CHD1 is on the minus strand). VCF-style: chr5-98897295-A-T. GRCh37 (hg19) VCF-style: chr5-98232999-A-T.
Other names: c.1391T>A, p.Val464Glu (NM_001364113.3, NM_001376194.2); short protein forms V464E.
Identifiers: ClinVar variation 3027311 (VCV003027311.22), dbSNP rs1580458197, ClinGen allele CA360519117.